The following is an entry in ClinVar:

ClinVar aggregate classification (germline): Uncertain significance (1 of 4 stars; one submission).

Submission:

Labcorp Genetics (formerly Invitae), Labcorp
Classification: Uncertain significance. Last evaluated: 2024-02-17. Review status: criteria provided, single submitter. Criteria: Invitae Variant Classification Sherloc (09022015). Collection method: clinical testing. Allele origin: germline.
Comment: This sequence change falls in intron 11 of the ABHD12 gene. It does not directly change the encoded amino acid sequence of the ABHD12 protein. This variant is present in population databases (rs781754739, gnomAD 0.008%). This variant has not been reported in the literature in individuals affected with ABHD12-related conditions. Algorithms developed to predict the effect of sequence changes on RNA splicing suggest that this variant may disrupt the consensus splice site. In summary, the available evidence is currently insufficient to determine the role of this variant in disease. Therefore, it has been classified as a Variant of Uncertain Significance.

NM_001042472.3(ABHD12):c.1030-11TC[2]

Gene: ABHD12 (abhydrolase domain containing 12, lysophospholipase; minus strand). Cytogenetic location: 20p11.21.
Variant type: Microsatellite.
Coding change: c.1030-11TC[2] on transcript NM_001042472.3 (MANE Select); two copies in a row of the 2-base unit TC starting at c.1030-11; the reference has three copies in a row; one copy, 2 bases deleted.
Molecular consequence: intron variant.
Genome position (GRCh38, 1-based): chr20:25,302,352-25,302,353, GA deleted on the plus strand (TC on the coding strand, the reverse complement: ABHD12 is on the minus strand); deleting any 2 consecutive bases within chr20:25,302,352-25,302,358 gives the same sequence; the position shown is the placement nearest the transcript's 3' end. VCF-style (leftmost placement, unchanged base first): chr20-25302351-GGA-G. GRCh37 (hg19) VCF-style: chr20-25282987-GGA-G.
Other names: c.1030-11TC[2] (NM_015600.5).
Identifiers: ClinVar variation 1385409 (VCV001385409.5), dbSNP rs781754739, ClinGen allele CA9795841.